The following is an entry in ClinVar:

ClinVar aggregate classification (germline): Uncertain significance (1 of 4 stars; one submission).

Conditions:
Cardiovascular phenotype. Identifiers: MedGen CN230736.

Submission:

Ambry Genetics
Classification: Uncertain significance for Cardiovascular phenotype. Last evaluated: 2025-10-27. Review status: criteria provided, single submitter. Criteria: Ambry Variant Classification Scheme 2023. Collection method: clinical testing. Allele origin: germline.
Comment: The c.821+3_821+8dupAAGTGT intronic variant, results from a duplication of 12 nucleotides at nucleotide position 821 after intron 14 of the TNNT2 gene. This nucleotide region is not well conserved in available vertebrate species. In silico splice site analysis predicts that this alteration will result in the creation or strengthening of a novel splice donor site. Based on the available evidence, the clinical significance of this variant remains unclear.

NM_001001430.1(TNNT2):c.821+3_821+8dupAAGTGT

Gene: TNNT2 (troponin T2, cardiac type; minus strand). Cytogenetic location: 1q32.1.
Variant type: Microsatellite.
Coding change: c.821+3_821+8dupAAGTGT on transcript NM_001001430.1; bases 3 to 8 of the intron after coding-DNA position 821, 6 bases duplicated (AAGTGT).
Genome position (GRCh38, 1-based): chr1:201,359,615-201,359,620, ACACTT duplicated on the plus strand (AAGTGT on the coding strand, the reverse complement: TNNT2 is on the minus strand); duplicating any 6 consecutive bases within chr1:201,359,615-201,359,626 gives the same sequence; the c. name uses the placement nearest the transcript's 3' end. VCF-style (leftmost placement, unchanged base first): chr1-201359614-G-GACACTT. GRCh37 (hg19) VCF-style: chr1-201328742-G-GACACTT.
Identifiers: ClinVar variation 4615123 (VCV004615123.1).